The following is an entry in ClinVar:

NM_021615.5(CHST6):c.814C>T (p.Arg272Cys)

Gene: CHST6 (carbohydrate sulfotransferase 6; minus strand). Cytogenetic location: 16q23.1.
Variant type: single nucleotide variant.
Coding change: c.814C>T on transcript NM_021615.5 (MANE Select); coding-DNA position 814, C replaced by T.
Protein change: p.Arg272Cys; replaces arginine 272 with cysteine.
Molecular consequence: missense variant.
Genome position (GRCh38, 1-based): chr16:75,479,015, G>A on the plus strand (C>T on the coding strand, the complement: CHST6 is on the minus strand). VCF-style: chr16-75479015-G-A. GRCh37 (hg19) VCF-style: chr16-75512913-G-A.
Other names: short protein forms R272C.
Identifiers: ClinVar variation 4525692 (VCV004525692.1).

ClinVar aggregate classification (germline): Uncertain significance (1 of 4 stars; one submission).

Submission:

Women's Health and Genetics/Laboratory Corporation of America, LabCorp
Classification: Uncertain significance. Last evaluated: 2025-07-22. Review status: criteria provided, single submitter. Criteria: LabCorp Variant Classification Summary - May 2015. Collection method: clinical testing. Allele origin: germline.
Comment: Variant summary: CHST6 c.814C>T (p.Arg272Cys) results in a non-conservative amino acid change in the encoded protein sequence. Algorithms developed to predict the effect of missense changes on protein structure and function all suggest that this variant is likely to be disruptive. The variant allele was found at a frequency of 4.1e-06 in 245406 control chromosomes. The available data on variant occurrences in the general population are insufficient to allow any conclusion about variant significance. To our knowledge, no occurrence of c.814C>T in individuals affected with Macular Corneal Dystrophy and no experimental evidence demonstrating its impact on protein function have been reported. No submitters have cited clinical-significance assessments for this variant to ClinVar. Based on the evidence outlined above, the variant was classified as uncertain significance.